The following is an entry in ClinVar:

NM_006312.6(NCOR2):c.1911C>T (p.Ile637=)

Gene: NCOR2 (nuclear receptor corepressor 2; minus strand). Cytogenetic location: 12q24.31.
Variant type: single nucleotide variant.
Coding change: c.1911C>T on transcript NM_006312.6 (MANE Select); coding-DNA position 1911, C replaced by T.
Protein change: p.Ile637=; no amino-acid change (isoleucine 637 retained).
Molecular consequence: synonymous variant.
Genome position (GRCh38, 1-based): chr12:124,385,853, G>A on the plus strand (C>T on the coding strand, the complement: NCOR2 is on the minus strand). VCF-style: chr12-124385853-G-A. GRCh37 (hg19) VCF-style: chr12-124870399-G-A.
Other names: c.1908C>T, p.Ile636= (NM_001077261.4, NM_001206654.2).
Identifiers: ClinVar variation 3043309 (VCV003043309.2), dbSNP rs201351745, ClinGen allele CA6869288.
Genomic context (GRCh38, chr12:124,385,853, plus strand): 5'-CTTGTAGTTGAAGTAGAAGTTCTTACACTGCGACACAGTCTTGGAGCCCACCATCCGGGC[G>A]ATGGCCGACCAGTTGCGGCCGTGTTCCAGGAGACCTGTCTCAGGAGAGGAGGGCAGTGAG-3'
Protein context (NP_006303.4, residues 627-647): LLEHGRNWSA[Ile637=]ARMVGSKTVS

ClinVar aggregate classification (germline): Likely benign (0 of 4 stars; one submission).

Conditions:
NCOR2-related disorder. Also called: NCOR2-related condition.

Allele frequency attached by ClinVar (database versions not stated): ExAC 0.00030; TOPMed 0.00038; gnomAD 0.00044; ESP Exome Variant Server 0.00048.
gnomAD v4.1: 803 of 1,613,664 alleles (0.05%); highest among the groups gnomAD compares: Non-Finnish European, 0.043%; 2 homozygotes.

Submission:

PreventionGenetics, part of Exact Sciences
Classification: Likely benign for NCOR2-related condition. Last evaluated: 2019-06-23. Review status: no assertion criteria provided. Collection method: clinical testing. Allele origin: germline.
Comment: This variant is classified as likely benign based on ACMG/AMP sequence variant interpretation guidelines (Richards et al. 2015 PMID: 25741868, with internal and published modifications).